The following is an entry in ClinVar:

ClinVar aggregate classification (germline): Uncertain significance. Review status: criteria provided, multiple submitters, no conflicts (2 of 4 stars). 2 submissions from 2 submitters: Uncertain significance (2). Last evaluated 2025-01-31.

Conditions:
Pitt-Hopkins-like syndrome 2 (PTHSL2). Identifiers: Orphanet 221150, Orphanet 600663, MedGen C3280479, MONDO:0013690, OMIM 614325.

Allele frequency attached by ClinVar (database versions not stated): gnomAD exomes below 0.00001 and 0.00001; ExAC 0.00001.
gnomAD v4.1: 4 of 1,613,806 alleles (0.00025%); highest among the groups gnomAD compares: Admixed American, 0.0033%; no homozygotes.

Submissions (2):

Labcorp Genetics (formerly Invitae), Labcorp
Classification: Uncertain significance for Pitt-Hopkins-like syndrome 2. Last evaluated: 2025-01-31. Review status: criteria provided, single submitter. Criteria: Invitae Variant Classification Sherloc (09022015). Collection method: clinical testing. Allele origin: germline.
Comment: This sequence change replaces threonine, which is neutral and polar, with isoleucine, which is neutral and non-polar, at codon 889 of the NRXN1 protein (p.Thr889Ile). This variant is present in population databases (rs751568091, gnomAD 0.006%). This variant has not been reported in the literature in individuals affected with NRXN1-related conditions. ClinVar contains an entry for this variant (Variation ID: 1329735). An algorithm developed to predict the effect of missense changes on protein structure and function (PolyPhen-2) suggests that this variant is likely to be disruptive. In summary, the available evidence is currently insufficient to determine the role of this variant in disease. Therefore, it has been classified as a Variant of Uncertain Significance.

GeneDx
Classification: Uncertain significance. Last evaluated: 2021-06-22. Review status: criteria provided, single submitter. Criteria: GeneDx Variant Classification Process June 2021. Collection method: clinical testing. Allele origin: germline. Affected: yes.
Comment: Has not been previously published as pathogenic or benign to our knowledge; Missense variant in a gene in which most reported pathogenic variants are truncating/loss-of-function; In silico analysis supports that this missense variant has a deleterious effect on protein structure/function; This variant is associated with the following publications: (PMID: 27535533)

NM_001330078.2(NRXN1):c.2546C>T (p.Thr849Ile)

Gene: NRXN1 (neurexin 1; minus strand). Cytogenetic location: 2p16.3.
Variant type: single nucleotide variant.
Coding change: c.2546C>T on transcript NM_001330078.2 (MANE Select); coding-DNA position 2546, C replaced by T.
Protein change: p.Thr849Ile; replaces threonine 849 with isoleucine.
Molecular consequence: missense variant.
Genome position (GRCh38, 1-based): chr2:50,497,666, G>A on the plus strand (C>T on the coding strand, the complement: NRXN1 is on the minus strand). VCF-style: chr2-50497666-G-A. GRCh37 (hg19) VCF-style: chr2-50724804-G-A.
Other names: c.2666C>T, p.Thr889Ile (NM_001135659.3); c.2522C>T, p.Thr841Ile (NM_001330077.2, NM_001330082.2); c.2480C>T, p.Thr827Ile (NM_001330083.2, NM_001330084.2); c.2519C>T, p.Thr840Ile (NM_001330085.2); c.2546C>T, p.Thr849Ile (NM_001330086.2, NM_004801.6); c.2435C>T, p.Thr812Ile (NM_001330087.2, NM_001330096.2); c.2465C>T, p.Thr822Ile (NM_001330088.2); c.2543C>T, p.Thr848Ile (NM_001330093.2); and 2 more; short protein forms T812I, T822I, T827I, T832I, T840I, T841I, T845I, T848I.
Identifiers: ClinVar variation 1329735 (VCV001329735.3), dbSNP rs751568091, ClinGen allele CA1654766.